The following is an entry in ClinVar:

ClinVar aggregate classification (germline): Uncertain significance (1 of 4 stars; one submission).

Submission:

Labcorp Genetics (formerly Invitae), Labcorp
Classification: Uncertain significance. Last evaluated: 2023-11-24. Review status: criteria provided, single submitter. Criteria: Invitae Variant Classification Sherloc (09022015). Collection method: clinical testing. Allele origin: germline.
Comment: This sequence change replaces glutamine, which is neutral and polar, with leucine, which is neutral and non-polar, at codon 3509 of the KMT2C protein (p.Gln3509Leu). This variant is not present in population databases (gnomAD no frequency). This variant has not been reported in the literature in individuals affected with KMT2C-related conditions. Advanced modeling of protein sequence and biophysical properties (such as structural, functional, and spatial information, amino acid conservation, physicochemical variation, residue mobility, and thermodynamic stability) performed at Invitae indicates that this missense variant is not expected to disrupt KMT2C protein function with a negative predictive value of 80%. In summary, the available evidence is currently insufficient to determine the role of this variant in disease. Therefore, it has been classified as a Variant of Uncertain Significance.

NM_170606.3(KMT2C):c.10526A>T (p.Gln3509Leu)

Gene: KMT2C (lysine methyltransferase 2C; minus strand). Cytogenetic location: 7q36.1.
Variant type: single nucleotide variant.
Coding change: c.10526A>T on transcript NM_170606.3 (MANE Select); coding-DNA position 10526, A replaced by T.
Protein change: p.Gln3509Leu; replaces glutamine 3509 with leucine.
Molecular consequence: missense variant.
Genome position (GRCh38, 1-based): chr7:152,163,051, T>A on the plus strand (A>T on the coding strand, the complement: KMT2C is on the minus strand). VCF-style: chr7-152163051-T-A. GRCh37 (hg19) VCF-style: chr7-151860136-T-A.
Other names: short protein forms Q3509L.
Identifiers: ClinVar variation 2804711 (VCV002804711.3), dbSNP rs2487689956, ClinGen allele CA370103235.